The following is an entry in ClinVar:

ClinVar aggregate classification (germline): Uncertain significance. Review status: criteria provided, multiple submitters, no conflicts (2 of 4 stars). 3 submissions from 3 submitters: Uncertain significance (3). Last evaluated 2025-05-21.

Conditions:
RASopathy. Also called: rasopathies; Noonan spectrum disorder. Identifiers: Orphanet 536391, MedGen C5555857, MONDO:0021060.
Cardiovascular phenotype. Identifiers: MedGen CN230736.

Allele frequency attached by ClinVar (database versions not stated): gnomAD exomes below 0.00001 and 0.00001.
gnomAD v4.1: 7 of 1,614,122 alleles (0.00043%); highest among the groups gnomAD compares: Non-Finnish European, 0.00059%; no homozygotes.

Submissions (3):

Ambry Genetics
Classification: Uncertain significance for Cardiovascular phenotype. Last evaluated: 2025-05-21. Review status: criteria provided, single submitter. Criteria: Ambry Variant Classification Scheme 2023. Collection method: clinical testing. Allele origin: germline.
Comment: The p.L467P variant (also known as c.1400T>C), located in coding exon 9 of the CBL gene, results from a T to C substitution at nucleotide position 1400. The leucine at codon 467 is replaced by proline, an amino acid with similar properties. This amino acid position is conserved. In addition, this alteration is predicted to be tolerated by in silico analysis. Since supporting evidence is limited at this time, the clinical significance of this alteration remains unclear.

Labcorp Genetics (formerly Invitae), Labcorp
Classification: Uncertain significance for RASopathy. Last evaluated: 2024-02-20. Review status: criteria provided, single submitter. Criteria: Invitae Variant Classification Sherloc (09022015). Collection method: clinical testing. Allele origin: germline.
Comment: This sequence change replaces leucine, which is neutral and non-polar, with proline, which is neutral and non-polar, at codon 467 of the CBL protein (p.Leu467Pro). This variant is present in population databases (no rsID available, gnomAD 0.0009%). This variant has not been reported in the literature in individuals affected with CBL-related conditions. ClinVar contains an entry for this variant (Variation ID: 1330151). Advanced modeling of protein sequence and biophysical properties (such as structural, functional, and spatial information, amino acid conservation, physicochemical variation, residue mobility, and thermodynamic stability) performed at Invitae indicates that this missense variant is not expected to disrupt CBL protein function with a negative predictive value of 95%. In summary, the available evidence is currently insufficient to determine the role of this variant in disease. Therefore, it has been classified as a Variant of Uncertain Significance.

Centre of Medical Genetics, University Hospital Muenster
Classification: Uncertain significance. Last evaluated: 2021-12-13. Review status: criteria provided, single submitter. Criteria: ACMG Guidelines, 2015. Collection method: clinical testing. Allele origin: unknown. Affected: yes. Observed: 1 variant allele, 1 heterozygote.
Comment: ACMG categories: PM2,PP3

NM_005188.4(CBL):c.1400T>C (p.Leu467Pro)

Gene: CBL (Cbl proto-oncogene; plus strand). Cytogenetic location: 11q23.3.
Variant type: single nucleotide variant.
Coding change: c.1400T>C on transcript NM_005188.4 (MANE Select); coding-DNA position 1400, T replaced by C.
Protein change: p.Leu467Pro; replaces leucine 467 with proline.
Molecular consequence: missense variant.
Genome position (GRCh38, 1-based): chr11:119,278,682, T>C. VCF-style: chr11-119278682-T-C. GRCh37 (hg19) VCF-style: chr11-119149392-T-C.
Other names: c.1400T>C (NM_005188.2); short protein forms L467P.
Identifiers: ClinVar variation 1330151 (VCV001330151.9), dbSNP rs1385198964, ClinGen allele CA382914724.